The following is an entry in ClinVar:

ClinVar aggregate classification (germline): Likely benign. Review status: criteria provided, multiple submitters, no conflicts (2 of 4 stars). 4 submissions from 4 submitters: Likely benign (3). 1 of the submissions does not count toward it. Last evaluated 2026-08-01.

Conditions:
VPS13A-related neurodegenerative disease. Also called: LEVINE-CRITCHLEY SYNDROME; Choreaacanthocytosis; Chorea-acanthocytosis; Choreoacanthocytosis; VPS13A Disease; ACANTHOCYTOSIS WITH NEUROLOGIC DISORDER. Identifiers: Orphanet 2388, MedGen C0393576, MONDO:0008695, OMIM 200150.

Allele frequency attached by ClinVar (database versions not stated): ExAC 0.00004; gnomAD exomes 0.00005; gnomAD 0.00010 and 0.00011; TOPMed 0.00010; ESP Exome Variant Server 0.00015.
gnomAD v4.1: 105 of 1,612,234 alleles (0.0065%); highest among the groups gnomAD compares: African/African-American, 0.033%; no homozygotes.

Submissions (4):

CeGaT Center for Human Genetics Tuebingen
Classification: Likely benign. Last evaluated: 2026-08-01. Review status: criteria provided, single submitter. Criteria: CeGaT Center For Human Genetics Tuebingen Variant Classification Criteria Version 2. Collection method: clinical testing. Allele origin: germline. Affected: yes. Observed: 1 variant allele.
Comment: VPS13A: BP4, BP7

Labcorp Genetics (formerly Invitae), Labcorp
Classification: Likely benign. Last evaluated: 2025-12-30. Review status: criteria provided, single submitter. Criteria: Invitae Variant Classification Sherloc (09022015). Collection method: clinical testing. Allele origin: germline.

Blueprint Genetics
Classification: Likely benign. Last evaluated: 2024-08-30. Review status: criteria provided, single submitter. Criteria: ACMG Guidelines, 2015. Collection method: clinical testing. Allele origin: germline.

Natera, Inc.
Classification: Uncertain significance for Choreaacanthocytosis. Last evaluated: 2020-01-24. Review status: no assertion criteria provided. Collection method: clinical testing. Allele origin: germline. Not counted in ClinVar's aggregate classification.

NM_033305.3(VPS13A):c.699C>T (p.Asp233=)

Gene: VPS13A (vacuolar protein sorting 13 homolog A; plus strand). Cytogenetic location: 9q21.2.
Variant type: single nucleotide variant.
Coding change: c.699C>T on transcript NM_033305.3 (MANE Select); coding-DNA position 699, C replaced by T.
Protein change: p.Asp233=; no amino-acid change (aspartic acid 233 retained).
Molecular consequence: synonymous variant.
Genome position (GRCh38, 1-based): chr9:77,214,331, C>T. VCF-style: chr9-77214331-C-T. GRCh37 (hg19) VCF-style: chr9-79829247-C-T.
Other names: c.699C>T, p.Asp233= (NM_001018037.2, NM_001018038.3, NM_015186.4).
Identifiers: ClinVar variation 701976 (VCV000701976.14), dbSNP rs138009035, ClinGen allele CA5091447.